The following is an entry in ClinVar:

ClinVar aggregate classification (germline): Pathogenic. Review status: criteria provided, multiple submitters, no conflicts (2 of 4 stars). 6 submissions from 6 submitters: Pathogenic (6). Last evaluated 2025-08-18.

Conditions:
G6PC3-related disorders.
Autosomal recessive severe congenital neutropenia due to G6PC3 deficiency. Also called: NEUTROPENIA, SEVERE CONGENITAL, 4, AUTOSOMAL RECESSIVE; G6PC3 Deficiency. Identifiers: Orphanet 331176, MedGen C2751630, MONDO:0012930, OMIM 612541.

Allele frequency attached by ClinVar (database versions not stated): TOPMed 0.00001; ExAC 0.00002; gnomAD exomes 0.00002 and 0.00004; gnomAD 0.00003.
gnomAD v4.1: 55 of 1,614,052 alleles (0.0034%); highest among the groups gnomAD compares: Non-Finnish European, 0.0042%; no homozygotes.

Submissions (6):

Labcorp Genetics (formerly Invitae), Labcorp
Classification: Pathogenic for Autosomal recessive severe congenital neutropenia due to G6PC3 deficiency. Last evaluated: 2025-08-18. Review status: criteria provided, single submitter. Criteria: Invitae Variant Classification Sherloc (09022015). Collection method: clinical testing. Allele origin: germline.
Comment: This sequence change creates a premature translational stop signal (p.Arg189*) in the G6PC3 gene. It is expected to result in an absent or disrupted protein product. Loss-of-function variants in G6PC3 are known to be pathogenic (PMID: 19118303, 25491320). This variant is present in population databases (rs745582203, gnomAD 0.004%). This premature translational stop signal has been observed in individual(s) with G6PC3 deficiency and severe congenital neutropenia (PMID: 22050868, 25491320). ClinVar contains an entry for this variant (Variation ID: 653016). For these reasons, this variant has been classified as Pathogenic.

Women's Health and Genetics/Laboratory Corporation of America, LabCorp
Classification: Pathogenic for Autosomal recessive severe congenital neutropenia due to G6PC3 deficiency. Last evaluated: 2023-07-12. Review status: criteria provided, single submitter. Criteria: LabCorp Variant Classification Summary - May 2015. Collection method: clinical testing. Allele origin: germline.
Comment: Variant summary: G6PC3 c.565C>T (p.Arg189X) results in a premature termination codon, predicted to cause a truncation of the encoded protein or absence of the protein due to nonsense mediated decay, which are commonly known mechanisms for disease. The variant allele was found at a frequency of 1.6e-05 in 251404 control chromosomes (gnomAD). The available data on variant occurrences in the general population are insufficient to allow any conclusion about variant significance. c.565C>T has been reported in the literature in individuals affected with Autosomal Recessive Severe Congenital Neutropenia Due To G6PC3 Deficiency (e.g., Desplantes_2014). These data indicate that the variant is likely to be associated with disease. The following publication was ascertained in the context of this evaluation (PMID: 25491320). Three submitters have reported clinical-significance assessments for this variant to ClinVar after 2014. All submitters classified the variant as pathogenic. Based on the evidence outlined above, the variant was classified as pathogenic.

Institute of Medical Genetics and Applied Genomics, University Hospital Tübingen
Classification: Pathogenic. Last evaluated: 2020-10-23. Review status: criteria provided, single submitter. Criteria: ACMG Guidelines, 2015. Collection method: clinical testing. Allele origin: germline. Inheritance: Autosomal recessive inheritance. Affected: yes.

Genetic Services Laboratory, University of Chicago
Classification: Pathogenic. Last evaluated: 2020-09-30. Review status: criteria provided, single submitter. Criteria: ACMG Guidelines, 2015. Collection method: clinical testing. Allele origin: germline. Affected: yes.
Comment: DNA sequence analysis of the G6PC3 gene demonstrated a sequence change, c.565C>T, in exon 5 that results in the creation of a premature stop codon at amino acid position 189, p.Arg189*. This sequence change is predicted to result in an abnormal transcript, which may be degraded, or may lead to the production of a truncated G6PC3 protein with potentially abnormal function. The p.Arg189 variant has been described in the gnomAD database with a low overall population frequency of 0.002% and a frequency of 0.004% in African sub group (dbSNP rs745582203). This sequence change has previously been described in the homozygous and compound heterozygous states in individuals with severe congenital neutropenia (PMIDs: 22050868, 25491320). Other truncating variants downstream of this variant have been reported in individuals with congenital neutropenia (PMIDs: 19118303, 21285905). Collectively these evidences indicate that, the p.Arg189* variant is pathogenic, however, the contribution of this variant to this patient√¢‚Ç¨‚Ñ¢s AML remains uncertain at present.

Blueprint Genetics
Classification: Pathogenic for G6PC3-related disorders. Last evaluated: 2019-07-04. Review status: criteria provided, single submitter. Criteria: ACMG Guidelines, 2015. Collection method: clinical testing. Allele origin: germline. Affected: yes. Observed: 2 variant alleles.

Neuberg Centre For Genomic Medicine, NCGM
Classification: Pathogenic for Autosomal recessive severe congenital neutropenia due to G6PC3 deficiency. Review status: criteria provided, single submitter. Criteria: ACMG Guidelines, 2015. Collection method: clinical testing. Allele origin: germline. Inheritance: Autosomal recessive inheritance. Affected: yes.

Literature cited by the submitters: PubMed 19118303 (cited by Labcorp Genetics (formerly Invitae), Labcorp); PubMed 25491320 (cited by Labcorp Genetics (formerly Invitae), Labcorp and Women's Health and Genetics/Laboratory Corporation of America, LabCorp); PubMed 22050868 (cited by Labcorp Genetics (formerly Invitae), Labcorp).

NM_138387.4(G6PC3):c.565C>T (p.Arg189Ter)

Gene: G6PC3 (glucose-6-phosphatase catalytic subunit 3; plus strand). Cytogenetic location: 17q21.31.
Variant type: single nucleotide variant.
Coding change: c.565C>T on transcript NM_138387.4 (MANE Select); coding-DNA position 565, C replaced by T.
Protein change: p.Arg189Ter; replaces arginine 189 with a stop codon.
Molecular consequence: nonsense. On other transcripts: missense variant (1).
Genome position (GRCh38, 1-based): chr17:44,075,339, C>T. VCF-style: chr17-44075339-C-T. GRCh37 (hg19) VCF-style: chr17-42152707-C-T.
Other names: c.446C>T, p.Pro149Leu (NM_001319945.2); c.220C>T, p.Arg74Ter (NM_001384165.1, NM_001384166.1, NM_001384167.1 and 1 more transcripts); short protein forms P149L, R189*, R74*.
Identifiers: ClinVar variation 653016 (VCV000653016.14), dbSNP rs745582203, ClinGen allele CA8596087.
Genomic context (GRCh38, chr17:44,075,339, plus strand): 5'-CCTTGAAGCTGTTGTCACTCCACTCTCCTAGGCGCTGTCCTGGGCTGGCTGATGACTCCC[C>T]GAGTGCCTATGGAGCGGGAGCTAAGCTTCTATGGGTTGACTGCACTGGCCCTCATGCTAG-3'